The following is an entry in ClinVar:

ClinVar aggregate classification (germline): Pathogenic (1 of 4 stars; one submission).

Conditions:
Myofibrillar myopathy 5. Also called: Filaminopathy (type); FILAMINOPATHY, AUTOSOMAL DOMINANT. Identifiers: Orphanet 171445, MedGen C1836050, MONDO:0012289, OMIM 609524.
Distal myopathy with posterior leg and anterior hand involvement. Also called: WILLIAMS DISTAL MYOPATHY. Identifiers: Orphanet 63273, MedGen C3279722, MONDO:0013550, OMIM 614065.
Hypertrophic cardiomyopathy 26. Also called: Cardiomyopathy, familial hypertrophic, 26. Identifiers: Orphanet 75249, MedGen C4310749, MONDO:0014883, OMIM 617047.
Dilated Cardiomyopathy, Dominant.

Submission:

Labcorp Genetics (formerly Invitae), Labcorp
Classification: Pathogenic for Distal myopathy with posterior leg and anterior hand involvement; Myofibrillar myopathy 5; Hypertrophic cardiomyopathy 26. Last evaluated: 2018-11-09. Review status: criteria provided, single submitter. Criteria: Invitae Variant Classification Sherloc (09022015). Collection method: clinical testing. Allele origin: germline.
Comment: This sequence change creates a premature translational stop signal (p.Lys51Serfs*8) in the FLNC gene. It is expected to result in an absent or disrupted protein product. This variant is not present in population databases (ExAC no frequency). This variant has not been reported in the literature in individuals with FLNC-related disease. Loss-of-function variants in FLNC are known to be pathogenic (PMID: 27908349). For these reasons, this variant has been classified as Pathogenic.

Literature cited by the submitters: PubMed 27908349.

NM_001458.5(FLNC):c.146_147insT (p.Leu50fs)

Gene: FLNC (filamin C; plus strand). Cytogenetic location: 7q32.1.
Variant type: Insertion.
Coding change: c.146_147insT on transcript NM_001458.5 (MANE Select); coding-DNA positions 146 to 147, T inserted.
Protein change: p.Leu50fs; shifts the reading frame from leucine 50.
Molecular consequence: frameshift variant.
Genome position: GRCh38 VCF-style: chr7-128830783-A-AT. GRCh37 (hg19) VCF-style: chr7-128470837-A-AT.
Other names: c.146_147insT, p.Leu50fs (NM_001127487.2); short protein forms L50fs.
Identifiers: ClinVar variation 1074694 (VCV001074694.2), dbSNP rs2128932142, ClinGen allele CA2499218729.